The following is an entry in ClinVar:

GRCh38/hg38 14q11.2(chr14:21058251-21384204)x3

Genes: ARHGEF40 (Rho guanine nucleotide exchange factor 40; plus strand), HNRNPC (heterogeneous nuclear ribonucleoprotein C; minus strand), LINC00641 (long intergenic non-protein coding RNA 641; minus strand), NDRG2 (NDRG family member 2; minus strand), OR5AU1 (olfactory receptor family 5 subfamily AU member 1; minus strand) and 14 more. Cytogenetic location: 14q11.2.
Variant type: copy number gain.
Change: copy number 3 (three copies instead of two) of chr14:21,058,251-21,384,204 (326.0 kb, GRCh38 coordinates, 1-based), cytogenetic band 14q11.2.
Identifiers: ClinVar variation 58305 (VCV000058305.1).

ClinVar aggregate classification (germline): Uncertain significance (1 of 4 stars; one submission).

Submission:

ISCA site 15
Classification: Uncertain significance. Last evaluated: 2011-08-12. Review status: criteria provided, single submitter. Criteria: Kaminsky et al. (Genet Med. 2011). Collection method: clinical testing. Allele origin: unknown. Affected: yes. Observed: 1 variant allele.
Comment: Copy number variation identified through the course of routine clinical cytogenomic testing in postnatal populations. Clinical assertions have been curated as described in Kaminsky et al. 2011.